The following is an entry in ClinVar:

NM_052867.4(NALCN):c.4333A>G (p.Ile1445Val)

Gene: NALCN (sodium leak channel, non-selective; minus strand). Cytogenetic location: 13q32.3.
Variant type: single nucleotide variant.
Coding change: c.4333A>G on transcript NM_052867.4 (MANE Select); coding-DNA position 4333, A replaced by G.
Protein change: p.Ile1445Val; replaces isoleucine 1445 with valine.
Molecular consequence: missense variant.
Genome position (GRCh38, 1-based): chr13:101,068,031, T>C on the plus strand (A>G on the coding strand, the complement: NALCN is on the minus strand). VCF-style: chr13-101068031-T-C. GRCh37 (hg19) VCF-style: chr13-101720383-T-C.
Other names: c.4420A>G, p.Ile1474Val (NM_001350748.2); c.4333A>G, p.Ile1445Val (NM_001350749.2); c.4246A>G, p.Ile1416Val (NM_001350750.2, NM_001350751.2); short protein forms I1416V, I1445V, I1474V.
Identifiers: ClinVar variation 1220151 (VCV001220151.4), dbSNP rs1459166839, ClinGen allele CA388646806.

ClinVar aggregate classification (germline): Uncertain significance. Review status: criteria provided, multiple submitters, no conflicts (2 of 4 stars). 2 submissions from 2 submitters: Uncertain significance (2). Last evaluated 2025-08-13.

Conditions:
Inborn genetic diseases. Identifiers: MedGen C0950123, MeSH D030342.

Allele frequency attached by ClinVar (database versions not stated): gnomAD exomes below 0.00001; TOPMed 0.00001; gnomAD 0.00002.
gnomAD v4.1: 9 of 1,587,176 alleles (0.00057%); highest among the groups gnomAD compares: Non-Finnish European, 0.00077%; no homozygotes.

Submissions (2):

Ambry Genetics
Classification: Uncertain significance for Inborn genetic diseases. Last evaluated: 2025-08-13. Review status: criteria provided, single submitter. Criteria: Ambry Variant Classification Scheme 2023. Collection method: clinical testing. Allele origin: germline.

GeneDx
Classification: Uncertain significance. Last evaluated: 2021-06-09. Review status: criteria provided, single submitter. Criteria: GeneDx Variant Classification Process June 2021. Collection method: clinical testing. Allele origin: germline. Affected: yes.
Comment: Has not been previously published as pathogenic or benign to our knowledge; In silico analysis supports that this missense variant does not alter protein structure/function; This variant is associated with the following publications: (PMID: 27535533)